The following is an entry in ClinVar:

NM_206965.2(FTCD):c.469G>T (p.Asp157Tyr)

Genes: FTCD-AS1 (FTCD antisense RNA 1; plus strand), FTCD (formimidoyltransferase cyclodeaminase; minus strand). Cytogenetic location: 21q22.3.
Variant type: single nucleotide variant.
Coding change: c.469G>T on transcript NM_206965.2 (MANE Select); coding-DNA position 469, G replaced by T.
Protein change: p.Asp157Tyr; replaces aspartic acid 157 with tyrosine.
Molecular consequence: missense variant.
Genome position (GRCh38, 1-based): chr21:46,151,725, C>A on the plus strand (G>T on the coding strand, the complement: FTCD is on the minus strand). VCF-style: chr21-46151725-C-A. GRCh37 (hg19) VCF-style: chr21-47571639-C-A.
Other names: NM_001350598.1:c.191C>A; c.469G>T, p.Asp157Tyr (NM_001320412.2, NM_006657.3); short protein forms D157Y.
Identifiers: ClinVar variation 780197 (VCV000780197.11), dbSNP rs532226691, ClinGen allele CA10073860.

ClinVar aggregate classification (germline): Likely benign. Review status: criteria provided, single submitter (1 of 4 stars). 2 submissions from 2 submitters: Likely benign (1). 1 of the submissions does not count toward it. Last evaluated 2026-01-04.

Conditions:
FTCD-AS1-related disorder. Also called: FTCD-AS1-related condition.
Glutamate formiminotransferase deficiency. Also called: Arakawa syndrome 1; Formiminoglutamic aciduria. Identifiers: Orphanet 51208, MedGen C0268609, MONDO:0009240, OMIM 229100.

Allele frequency attached by ClinVar (database versions not stated): TOPMed 0.00002; 1000 Genomes Project 30x 0.00250; 1000 Genomes Project 0.00280.
gnomAD v4.1: 688 of 1,612,874 alleles (0.043%); highest among the groups gnomAD compares: South Asian, 0.71%; 8 homozygotes.

Submissions (2):

Labcorp Genetics (formerly Invitae), Labcorp
Classification: Likely benign for Glutamate formiminotransferase deficiency. Last evaluated: 2026-01-04. Review status: criteria provided, single submitter. Criteria: Invitae Variant Classification Sherloc (09022015). Collection method: clinical testing. Allele origin: germline.

PreventionGenetics, part of Exact Sciences
Classification: Likely benign for FTCD-AS1-related condition. Last evaluated: 2020-10-12. Review status: no assertion criteria provided. Collection method: clinical testing. Allele origin: germline. Not counted in ClinVar's aggregate classification.
Comment: This variant is classified as likely benign based on ACMG/AMP sequence variant interpretation guidelines (Richards et al. 2015 PMID: 25741868, with internal and published modifications).